The following is an entry in ClinVar:

ClinVar aggregate classification (germline): Pathogenic (1 of 4 stars; one submission).

Conditions:
Deficiency of alpha-mannosidase (MANSA). Also called: LYSOSOMAL ALPHA-D-MANNOSIDASE DEFICIENCY; Alpha-Mannosidosis; Mannosidosis, alpha-, types I and II. Identifiers: Orphanet 61, MedGen C0024748, MONDO:0009561, OMIM 248500.

Submission:

Myriad Genetics, Inc.
Classification: Pathogenic for Deficiency of alpha-mannosidase. Last evaluated: 2025-06-26. Review status: criteria provided, single submitter. Criteria: Myriad Autosomal Dominant, Autosomal Recessive and X-Linked Classification Criteria (2023). Collection method: clinical testing. Allele origin: unknown.
Comment: NM_000528.3(MAN2B1):c.2778_2784del7(S927Vfs*3) is expected to be pathogenic in the context of alpha-mannosidosis. This variant is predicted to lead to an abnormal or absent protein product due to the creation of a premature termination codon in MAN2B1, a gene where loss-of-function variants are known to be pathogenic. Please note: this variant was assessed in the context of healthy population screening.

NM_000528.4(MAN2B1):c.2778_2784del (p.Ser927fs)

Gene: MAN2B1 (mannosidase alpha class 2B member 1; minus strand). Cytogenetic location: 19p13.13.
Variant type: Deletion.
Coding change: c.2778_2784del on transcript NM_000528.4 (MANE Select); coding-DNA positions 2778 to 2784, 7 bases deleted (TTCCGGA; older notation c.2778_2784delTTCCGGA).
Protein change: p.Ser927fs; shifts the reading frame from serine 927.
Molecular consequence: frameshift variant.
Genome position (GRCh38, 1-based): chr19:12,647,479-12,647,485, TCCGGAA deleted on the plus strand (TTCCGGA on the coding strand, the reverse complement: MAN2B1 is on the minus strand); deleting any 7 consecutive bases within chr19:12,647,479-12,647,488 gives the same sequence; the c. name uses the placement nearest the transcript's 3' end. VCF-style (leftmost placement, unchanged base first): chr19-12647478-GTCCGGAA-G. GRCh37 (hg19) VCF-style: chr19-12758292-GTCCGGAA-G.
Other names: c.2775_2781del, p.Ser926fs (NM_001173498.2); c.2781_2787del, p.Ser928fs (NM_001440570.1); short protein forms S926fs, S927fs, S928fs.
Identifiers: ClinVar variation 5014648 (VCV005014648.1).